The following is an entry in ClinVar:

NM_080911.3(UNG):c.397C>G (p.Gln133Glu)

Gene: UNG (uracil DNA glycosylase; plus strand). Cytogenetic location: 12q24.11.
Variant type: single nucleotide variant.
Coding change: c.397C>G on transcript NM_080911.3 (MANE Select); coding-DNA position 397, C replaced by G.
Protein change: p.Gln133Glu; replaces glutamine 133 with glutamic acid.
Molecular consequence: missense variant.
Genome position (GRCh38, 1-based): chr12:109,099,246, C>G. VCF-style: chr12-109099246-C-G. GRCh37 (hg19) VCF-style: chr12-109537051-C-G.
Other names: c.370C>G, p.Gln124Glu (NM_003362.4); short protein forms Q133E, Q124E.
Identifiers: ClinVar variation 4737604 (VCV004737604.1).

ClinVar aggregate classification (germline): Uncertain significance (1 of 4 stars; one submission).

Conditions:
Hyper-IgM syndrome type 5 (HIGM5). Also called: Hyper-IgM Immunodeficiency Syndrome, Type 5. Identifiers: Orphanet 101092, MedGen C1720958, MONDO:0011971, OMIM 608106.

Submission:

Labcorp Genetics (formerly Invitae), Labcorp
Classification: Uncertain significance for Hyper-IgM syndrome type 5. Last evaluated: 2025-08-26. Review status: criteria provided, single submitter. Criteria: Invitae Variant Classification Sherloc (09022015). Collection method: clinical testing. Allele origin: germline.
Comment: This sequence change replaces glutamine, which is neutral and polar, with glutamic acid, which is acidic and polar, at codon 133 of the UNG protein (p.Gln133Glu). This variant is not present in population databases (gnomAD no frequency). This variant has not been reported in the literature in individuals affected with UNG-related conditions. Invitae Evidence Modeling of protein sequence and biophysical properties (such as structural, functional, and spatial information, amino acid conservation, physicochemical variation, residue mobility, and thermodynamic stability) indicates that this missense variant is not expected to disrupt UNG protein function with a negative predictive value of 80%. In summary, the available evidence is currently insufficient to determine the role of this variant in disease. Therefore, it has been classified as a Variant of Uncertain Significance.